The following is an entry in ClinVar:

ClinVar aggregate classification (germline): Uncertain significance (1 of 4 stars; one submission).

Submission:

Labcorp Genetics (formerly Invitae), Labcorp
Classification: Uncertain significance. Last evaluated: 2025-11-23. Review status: criteria provided, single submitter. Criteria: Invitae Variant Classification Sherloc (09022015). Collection method: clinical testing. Allele origin: germline.
Comment: This variant, c.1669_1671dup, results in the insertion of 1 amino acid(s) of the ZMIZ1 protein (p.Asn557dup), but otherwise preserves the integrity of the reading frame. This variant is not present in population databases (gnomAD no frequency). This variant has not been reported in the literature in individuals affected with ZMIZ1-related conditions. In summary, the available evidence is currently insufficient to determine the role of this variant in disease. Therefore, it has been classified as a Variant of Uncertain Significance.

NM_020338.4(ZMIZ1):c.1669_1671dup (p.Asn557_His558insAsn)

Gene: ZMIZ1 (zinc finger MIZ-type containing 1; plus strand). Cytogenetic location: 10q22.3.
Variant type: Duplication.
Coding change: c.1669_1671dup on transcript NM_020338.4 (MANE Select); coding-DNA positions 1669 to 1671, 3 bases duplicated (AAC; older notation c.1669_1671dupAAC).
Protein change: p.Asn557_His558insAsn.
Molecular consequence: inframe insertion.
Genome position (GRCh38, 1-based): chr10:79,299,052-79,299,054, AAC duplicated; duplicating any 3 consecutive bases within chr10:79,299,051-79,299,054 gives the same sequence; the c. name uses the placement nearest the transcript's 3' end. VCF-style (leftmost placement, unchanged base first): chr10-79299050-C-CCAA. GRCh37 (hg19) VCF-style: chr10-81058807-C-CCAA.
Identifiers: ClinVar variation 4731751 (VCV004731751.1).